The following is an entry in ClinVar:

NM_000147.5(FUCA1):c.1330C>G (p.Leu444Val)

Gene: FUCA1 (alpha-L-fucosidase 1; minus strand). Cytogenetic location: 1p36.11.
Variant type: single nucleotide variant.
Coding change: c.1330C>G on transcript NM_000147.5 (MANE Select); coding-DNA position 1330, C replaced by G.
Protein change: p.Leu444Val; replaces leucine 444 with valine.
Molecular consequence: missense variant. On other transcripts: non-coding transcript variant (4).
Genome position (GRCh38, 1-based): chr1:23,845,786, G>C on the plus strand (C>G on the coding strand, the complement: FUCA1 is on the minus strand). VCF-style: chr1-23845786-G-C. GRCh37 (hg19) VCF-style: chr1-24172276-G-C.
Other names: short protein forms L444V.
Identifiers: ClinVar variation 3730407 (VCV003730407.1).
Genomic context (GRCh38, chr1:23,845,786, plus strand): 5'-CTGTCAGCTTTATAGTCCAAGCAAACTCTGCGGGGACAGCAGAGGGTGGCAACTGGGGTA[G>C]AGAGATGAAGAGACCTTTATCTGGATCTGTGGACCACTTCAGATCTCCTTGAATTCCCAG-3'
Protein context (NP_000138.2, residues 434-454): TDPDKGLFIS[Leu444Val]PQLPPSAVPA

ClinVar aggregate classification (germline): Uncertain significance (1 of 4 stars; one submission).

Conditions:
Fucosidosis. Also called: ALPHA-L-FUCOSIDASE DEFICIENCY. Identifiers: Orphanet 349, MedGen C0016788, MONDO:0009254, OMIM 230000.

Submission:

Labcorp Genetics (formerly Invitae), Labcorp
Classification: Uncertain significance for Fucosidosis. Last evaluated: 2024-10-25. Review status: criteria provided, single submitter. Criteria: Invitae Variant Classification Sherloc (09022015). Collection method: clinical testing. Allele origin: germline.
Comment: This sequence change replaces leucine, which is neutral and non-polar, with valine, which is neutral and non-polar, at codon 444 of the FUCA1 protein (p.Leu444Val). This variant is not present in population databases (gnomAD no frequency). This variant has not been reported in the literature in individuals affected with FUCA1-related conditions. Invitae Evidence Modeling of protein sequence and biophysical properties (such as structural, functional, and spatial information, amino acid conservation, physicochemical variation, residue mobility, and thermodynamic stability) has been performed for this missense variant. However, the output from this modeling did not meet the statistical confidence thresholds required to predict the impact of this variant on FUCA1 protein function. In summary, the available evidence is currently insufficient to determine the role of this variant in disease. Therefore, it has been classified as a Variant of Uncertain Significance.